The following is an entry in ClinVar:

ClinVar aggregate classification (germline): Uncertain significance. Review status: criteria provided, multiple submitters, no conflicts (2 of 4 stars). 3 submissions from 3 submitters: Uncertain significance (3). Last evaluated 2024-12-03.

Conditions:
Wilms tumor 1 (WT1). Also called: Wilms tumor, somatic. Identifiers: Orphanet 654, MedGen CN033288, MONDO:0008679, OMIM 194070.
11p partial monosomy syndrome (WAGR). Also called: WAGR syndrome; WAGR Complex; WAGR Spectrum Disorder; CHROMOSOME 11p13 DELETION SYNDROME. Identifiers: Orphanet 893, MedGen C0206115, MONDO:0008681, OMIM 194072.
Drash syndrome (DDS). Also called: NEPHROPATHY, WILMS TUMOR, AND GENITAL ANOMALIES; WILMS TUMOR AND PSEUDO- OR TRUE HERMAPHRODITISM. Identifiers: Orphanet 220, MedGen C0950121, MONDO:0008682, OMIM 194080.
Frasier syndrome. Identifiers: Orphanet 347, MedGen C0950122, MeSH D052159, MONDO:0007635, OMIM 136680.
Inborn genetic diseases. Identifiers: MedGen C0950123, MeSH D030342.

Allele frequency attached by ClinVar (database versions not stated): gnomAD exomes below 0.00001; gnomAD 0.00001; TOPMed 0.00001.

Submissions (3):

Ambry Genetics
Classification: Uncertain significance for Inborn genetic diseases. Last evaluated: 2024-12-03. Review status: criteria provided, single submitter. Criteria: Ambry Variant Classification Scheme 2023. Collection method: clinical testing. Allele origin: germline.
Comment: The p.V162I variant (also known as c.484G>A), located in coding exon 1 of the WT1 gene, results from a G to A substitution at nucleotide position 484. The valine at codon 162 is replaced by isoleucine, an amino acid with highly similar properties. This amino acid position is conserved. In addition, this alteration is predicted to be tolerated by in silico analysis. Based on the available evidence, the clinical significance of this variant remains unclear.

Labcorp Genetics (formerly Invitae), Labcorp
Classification: Uncertain significance for Wilms tumor 1; Drash syndrome; 11p partial monosomy syndrome; Frasier syndrome. Last evaluated: 2024-05-07. Review status: criteria provided, single submitter. Criteria: Invitae Variant Classification Sherloc (09022015). Collection method: clinical testing. Allele origin: germline.
Comment: This sequence change replaces valine, which is neutral and non-polar, with isoleucine, which is neutral and non-polar, at codon 162 of the WT1 protein (p.Val162Ile). This variant is not present in population databases (gnomAD no frequency). This variant has not been reported in the literature in individuals affected with WT1-related conditions. ClinVar contains an entry for this variant (Variation ID: 1004708). An algorithm developed to predict the effect of missense changes on protein structure and function (PolyPhen-2) suggests that this variant is likely to be tolerated. In summary, the available evidence is currently insufficient to determine the role of this variant in disease. Therefore, it has been classified as a Variant of Uncertain Significance.

Baylor Genetics
Classification: Uncertain significance for Drash syndrome. Last evaluated: 2023-07-24. Review status: criteria provided, single submitter. Criteria: ACMG Guidelines, 2015. Collection method: clinical testing. Allele origin: unknown.

NM_024426.6(WT1):c.499G>A (p.Val167Ile)

Genes: WT1 (WT1 transcription factor; minus strand), LOC107982234 (WT1/WT1-AS bi-directional promoter region; plus strand). Cytogenetic location: 11p13.
Variant type: single nucleotide variant.
Coding change: c.499G>A on transcript NM_024426.6 (MANE Select); coding-DNA position 499, G replaced by A.
Protein change: p.Val167Ile; replaces valine 167 with isoleucine.
Molecular consequence: missense variant. On other transcripts: non-coding transcript variant (1).
Genome position (GRCh38, 1-based): chr11:32,434,862, C>T on the plus strand (G>A on the coding strand, the complement: WT1 is on the minus strand). VCF-style: chr11-32434862-C-T. GRCh37 (hg19) VCF-style: chr11-32456408-C-T.
Other names: c.484G>A (NM_024426.4); c.499G>A, p.Val167Ile (NM_000378.6, NM_024424.5); short protein forms V167I.
Identifiers: ClinVar variation 1004708 (VCV001004708.11), dbSNP rs1474496518, ClinGen allele CA379964871.